The following is an entry in ClinVar:

NM_006514.4(SCN10A):c.1653A>T (p.Arg551Ser)

Gene: SCN10A (sodium voltage-gated channel alpha subunit 10; minus strand). Cytogenetic location: 3p22.2.
Variant type: single nucleotide variant.
Coding change: c.1653A>T on transcript NM_006514.4 (MANE Select); coding-DNA position 1653, A replaced by T.
Protein change: p.Arg551Ser; replaces arginine 551 with serine.
Molecular consequence: missense variant. On other transcripts: intron variant (1).
Genome position (GRCh38, 1-based): chr3:38,752,321, T>A on the plus strand (A>T on the coding strand, the complement: SCN10A is on the minus strand). VCF-style: chr3-38752321-T-A. GRCh37 (hg19) VCF-style: chr3-38793812-T-A.
Other names: c.1653A>T, p.Arg551Ser (NM_001293306.2); c.1462-2137A>T (NM_001293307.2); short protein forms R551S.
Identifiers: ClinVar variation 3614418 (VCV003614418.2).

ClinVar aggregate classification (germline): Uncertain significance (1 of 4 stars; one submission).

Conditions:
Brugada syndrome. Also called: Sudden unexpected nocturnal death syndrome; Sudden unexplained nocturnal death syndrome; Sudden Unexplained Death Syndrome; Sudden Unexplained Nocturnal Death Syndrome (SUNDS). Identifiers: Orphanet 130, MedGen C1142166, MONDO:0015263.

gnomAD v4.1: 1 of 1,612,134 alleles (0.000062%); highest among the groups gnomAD compares: Admixed American, 0.0017%; no homozygotes.

Submission:

Labcorp Genetics (formerly Invitae), Labcorp
Classification: Uncertain significance for Brugada syndrome. Last evaluated: 2025-01-21. Review status: criteria provided, single submitter. Criteria: Invitae Variant Classification Sherloc (09022015). Collection method: clinical testing. Allele origin: germline.
Comment: This sequence change replaces arginine, which is basic and polar, with serine, which is neutral and polar, at codon 551 of the SCN10A protein (p.Arg551Ser). This variant is not present in population databases (gnomAD no frequency). This variant has not been reported in the literature in individuals affected with SCN10A-related conditions. Invitae Evidence Modeling of protein sequence and biophysical properties (such as structural, functional, and spatial information, amino acid conservation, physicochemical variation, residue mobility, and thermodynamic stability) indicates that this missense variant is not expected to disrupt SCN10A protein function with a negative predictive value of 95%. In summary, the available evidence is currently insufficient to determine the role of this variant in disease. Therefore, it has been classified as a Variant of Uncertain Significance.